The following is an entry in ClinVar:

ClinVar aggregate classification (germline): Uncertain significance. Review status: criteria provided, multiple submitters, no conflicts (2 of 4 stars). 2 submissions from 2 submitters: Uncertain significance (2). Last evaluated 2023-04-24.

Conditions:
Familial cancer of breast. Also called: BREAST CANCER, FAMILIAL; Hereditary breast cancer; hereditary breast carcinoma. Identifiers: Orphanet 227535, MedGen C0346153, MONDO:0016419, OMIM 114480. Disease mechanism: loss of function.
Hereditary cancer-predisposing syndrome. Also called: Neoplastic Syndromes, Hereditary; Hereditary Cancer Syndrome; Hereditary neoplastic syndrome; Tumor predisposition. Identifiers: Orphanet 140162, MedGen C0027672, MeSH D009386, MONDO:0015356.

Allele frequency attached by ClinVar (database versions not stated): gnomAD exomes below 0.00001.
gnomAD v4.1: 2 of 1,614,110 alleles (0.00012%); highest among the groups gnomAD compares: South Asian, 0.0022%; no homozygotes.

Submissions (2):

Labcorp Genetics (formerly Invitae), Labcorp
Classification: Uncertain significance for Familial cancer of breast. Last evaluated: 2023-04-24. Review status: criteria provided, single submitter. Criteria: Invitae Variant Classification Sherloc (09022015). Collection method: clinical testing. Allele origin: germline.
Comment: ClinVar contains an entry for this variant (Variation ID: 460900). Advanced modeling of protein sequence and biophysical properties (such as structural, functional, and spatial information, amino acid conservation, physicochemical variation, residue mobility, and thermodynamic stability) performed at Invitae indicates that this missense variant is not expected to disrupt PALB2 protein function. In summary, the available evidence is currently insufficient to determine the role of this variant in disease. Therefore, it has been classified as a Variant of Uncertain Significance. This sequence change replaces arginine, which is basic and polar, with lysine, which is basic and polar, at codon 511 of the PALB2 protein (p.Arg511Lys). This variant is not present in population databases (gnomAD no frequency). This variant has not been reported in the literature in individuals affected with PALB2-related conditions.

Ambry Genetics
Classification: Uncertain significance for Hereditary cancer-predisposing syndrome. Last evaluated: 2020-03-12. Review status: criteria provided, single submitter. Criteria: Ambry Variant Classification Scheme 2023. Collection method: clinical testing. Allele origin: germline.
Comment: The p.R511K variant (also known as c.1532G>A), located in coding exon 4 of the PALB2 gene, results from a G to A substitution at nucleotide position 1532. The arginine at codon 511 is replaced by lysine, an amino acid with highly similar properties. This amino acid position is not well conserved in available vertebrate species. In addition, this alteration is predicted to be tolerated by in silico analysis. Since supporting evidence is limited at this time, the clinical significance of this alteration remains unclear.

NM_024675.4(PALB2):c.1532G>A (p.Arg511Lys)

Gene: PALB2 (partner and localizer of BRCA2; minus strand). Cytogenetic location: 16p12.2.
Variant type: single nucleotide variant.
Coding change: c.1532G>A on transcript NM_024675.4 (MANE Select); coding-DNA position 1532, G replaced by A.
Protein change: p.Arg511Lys; replaces arginine 511 with lysine.
Molecular consequence: missense variant.
Genome position (GRCh38, 1-based): chr16:23,635,014, C>T on the plus strand (G>A on the coding strand, the complement: PALB2 is on the minus strand). VCF-style: chr16-23635014-C-T. GRCh37 (hg19) VCF-style: chr16-23646335-C-T.
Other names: short protein forms R511K.
Identifiers: ClinVar variation 460900 (VCV000460900.15), dbSNP rs1555461231, ClinGen allele CA395130930.